The following is an entry in ClinVar:

NM_000059.4(BRCA2):c.4234_4236delinsC (p.Thr1412fs)

Gene: BRCA2 (BRCA2 DNA repair associated; plus strand). Cytogenetic location: 13q13.1.
Variant type: Indel.
Coding change: c.4234_4236delinsC on transcript NM_000059.4 (MANE Select); coding-DNA positions 4234 to 4236, ACT replaced by C.
Protein change: p.Thr1412fs; shifts the reading frame from threonine 1412.
Molecular consequence: frameshift variant. On other transcripts: non-coding transcript variant (1), intron variant (2).
Genome position (GRCh38, 1-based): chr13:32,338,589-32,338,591, ACT replaced by C. VCF-style: chr13-32338589-ACT-C. GRCh37 (hg19) VCF-style: chr13-32912726-ACT-C.
Other names: c.4234_4236delinsC, p.Thr1412fs (NM_001406719.1, NM_001406720.1); c.1909+5202_1909+5204delinsC (NM_001406721.1); c.425-5969_425-5967delinsC (NM_001406722.1); c.4234_4236delACTinsC (NM_000059.4); short protein forms T1412fs.
Identifiers: ClinVar variation 3236848 (VCV003236848.3), dbSNP rs2548527950.

ClinVar aggregate classification (germline): Pathogenic/Likely pathogenic. Review status: criteria provided, multiple submitters, no conflicts (2 of 4 stars). 2 submissions from 2 submitters: Pathogenic (1); Likely pathogenic (1). Last evaluated 2026-08-11.

Conditions:
Breast-ovarian cancer, familial, susceptibility to, 2 (BROVCA2). Also called: BRCA2 Hereditary Breast and Ovarian Cancer. Identifiers: Orphanet 145, MedGen C2675520, MONDO:0012933, OMIM 612555. Disease mechanism: loss of function.
Pancreatic cancer, susceptibility to, 2. Identifiers: Orphanet 1333, MedGen C3150546, MONDO:0013235, OMIM 613347.

Submissions (2):

Myriad Genetics, Inc.
Classification: Pathogenic for Breast-ovarian cancer, familial, susceptibility to, 2. Last evaluated: 2026-08-11. Review status: criteria provided, single submitter. Criteria: Myriad Autosomal Dominant, Autosomal Recessive and X-Linked Classification Criteria (2023). Collection method: clinical testing. Allele origin: unknown.
Comment: This variant is considered pathogenic. This variant creates a frameshift predicted to result in premature protein truncation.

HUSP Clinical Genetics Laboratory, Hospital Universitario San Pedro De Logroño (HUSP)
Classification: Likely pathogenic for Pancreatic cancer, susceptibility to, 2. Review status: criteria provided, single submitter. Criteria: ACMG Guidelines, 2015. Collection method: clinical testing. Allele origin: unknown. Inheritance: Autosomal dominant inheritance. Affected: yes.

Literature cited by the submitters: DOI 10.1186/s13053-024-00296-2 (cited by HUSP Clinical Genetics Laboratory, Hospital Universitario San Pedro De Logroño (HUSP)).